The following is an entry in ClinVar:

NM_000158.4(GBE1):c.144-1G>A

Gene: GBE1 (1,4-alpha-glucan branching enzyme 1; minus strand). Cytogenetic location: 3p12.2.
Variant type: single nucleotide variant.
Coding change: c.144-1G>A on transcript NM_000158.4 (MANE Select); the canonical splice acceptor site of the intron before coding-DNA position 144, G replaced by A.
Molecular consequence: splice acceptor variant.
Genome position (GRCh38, 1-based): chr3:81,705,614, C>T on the plus strand (G>A on the coding strand, the complement: GBE1 is on the minus strand). VCF-style: chr3-81705614-C-T. GRCh37 (hg19) VCF-style: chr3-81754765-C-T.
Identifiers: ClinVar variation 4817834 (VCV004817834.1).
Genomic context (GRCh38, chr3:81,705,614, plus strand): 5'-TTATCAATACCACCTTCATTTTCTCCAATGTTCTTCAAAATTTGGCTAAACTGCTTATAC[C>T]TTTGAAGAAGTATGAAAGAAAATGAGTTAGAAAATTAAATAGTCTTCTAGAAAAGCTACT-3'

ClinVar aggregate classification (germline): Pathogenic (1 of 4 stars; one submission).

Conditions:
Glycogen storage disease, type IV (GSD4). Also called: AMYLOPECTINOSIS; ANDERSEN DISEASE; BRANCHER DEFICIENCY; CIRRHOSIS, FAMILIAL, WITH DEPOSITION OF ABNORMAL GLYCOGEN; GBE1 DEFICIENCY; GLYCOGEN BRANCHING ENZYME DEFICIENCY. Identifiers: Orphanet 367, MedGen C0017923, MONDO:0009292, OMIM 232500.

Submission:

Natera, Inc.
Classification: Pathogenic for Glycogen storage disease type IV. Last evaluated: 2024-06-28. Review status: criteria provided, single submitter. Criteria: Natera Variant Classification Schema (03/2026). Collection method: clinical testing. Allele origin: germline.
Comment: The c.144-1G>A variant in GBE1 is a canonical splice acceptor site variant predicted to affect pre-mRNA splicing, which may result in an abnormal transcript and altered protein product. This variant is expected to result in nonsense mediated decay, truncation, or a dysfunctional protein product. This variant is rare in the general population with a frequency below the threshold expected for the associated phenotype(s). This variant has been observed in one or more individuals affected with the associated recessive disease, as either homozygous or compound heterozygous with a second variant (PMID: 30303820). Additionally, this variant has been observed to segregate in affected family members (PMID: 30303820). Given the available evidence, this variant is classified as Pathogenic.

Literature cited by the submitters: PubMed 30303820.